The following is an entry in ClinVar:

NM_030665.4(RAI1):c.2273G>A (p.Trp758Ter)

Gene: RAI1 (retinoic acid induced 1; plus strand). Cytogenetic location: 17p11.2.
Variant type: single nucleotide variant.
Coding change: c.2273G>A on transcript NM_030665.4 (MANE Select); coding-DNA position 2273, G replaced by A.
Protein change: p.Trp758Ter; replaces tryptophan 758 with a stop codon.
Molecular consequence: nonsense.
Genome position (GRCh38, 1-based): chr17:17,795,221, G>A. VCF-style: chr17-17795221-G-A. GRCh37 (hg19) VCF-style: chr17-17698535-G-A.
Other names: short protein forms W758*.
Identifiers: ClinVar variation 143197 (VCV000143197.2), dbSNP rs527236033, ClinGen allele CA270167.

ClinVar aggregate classification (germline): Pathogenic (0 of 4 stars; one submission).

Conditions:
Smith-Magenis syndrome (SMS). Also called: CHROMOSOME 17p11.2 DELETION SYNDROME. Identifiers: Orphanet 819, MedGen C0795864, MONDO:0008434, OMIM 182290.

Submission:

Undiagnosed Diseases Program Translational Research Laboratory, National Institutes of Health
Classification: Pathogenic for Smith-Magenis syndrome. Review status: no assertion criteria provided. Collection method: not provided. Allele origin: de novo.
ClinVar note: Converted during submission from pathogenic to Pathogenic.